The following is an entry in ClinVar:

ClinVar aggregate classification (germline): Conflicting classifications of pathogenicity. Review status: criteria provided, conflicting classifications (1 of 4 stars). 8 submissions from 8 submitters: Uncertain significance (6); Likely benign (1). 1 of the submissions does not count toward it. Last evaluated 2026-01-05.

Conditions:
Hereditary cancer-predisposing syndrome. Also called: Hereditary neoplastic syndrome; Neoplastic Syndromes, Hereditary; Hereditary Cancer Syndrome; Tumor predisposition. Identifiers: Orphanet 140162, MedGen C0027672, MeSH D009386, MONDO:0015356.
Hereditary breast ovarian cancer syndrome. Also called: Hereditary breast and ovarian cancer; BRCA1- and BRCA2-Associated Hereditary Breast and Ovarian Cancer; Hereditary breast and/or ovarian cancer syndrome; Hereditary breast and ovarian cancer syndrome; Hereditary breast and ovarian cancer syndrome (HBOC); Breast and ovarian cancer. Identifiers: Orphanet 145, MedGen C0677776, MeSH D061325, MONDO:0003582. Disease mechanism: loss of function.
Breast-ovarian cancer, familial, susceptibility to, 2 (BROVCA2). Also called: BRCA2 Hereditary Breast and Ovarian Cancer. Identifiers: Orphanet 145, MedGen C2675520, MONDO:0012933, OMIM 612555. Disease mechanism: loss of function.

Allele frequency attached by ClinVar (database versions not stated): ExAC 0.01118; TOPMed below 0.00001.

Submissions (8):

Dasa
Classification: Uncertain significance for Breast-ovarian cancer, familial, susceptibility to, 2. Last evaluated: 2026-01-05. Review status: criteria provided, single submitter. Criteria: DASA Assertion Criteria. Collection method: clinical testing. Allele origin: germline.
Comment: NM_000059.4(BRCA2):c.1487C>T (p.Ser496Phe) is a missense variant that results in the substitution of serine with phenylalanine. The variant is present at low frequency in population datasets. Based on the available data, this variant is classified as variant of uncertain significance.

Color Diagnostics, LLC DBA Color Health
Classification: Uncertain significance for Hereditary cancer-predisposing syndrome. Last evaluated: 2025-05-28. Review status: criteria provided, single submitter. Criteria: ACMG Guidelines, 2015. Collection method: clinical testing. Allele origin: germline.
Comment: This missense variant replaces serine with phenylalanine at codon 496 of the BRCA2 protein. Computational prediction suggests that this variant may not impact protein structure and function. To our knowledge, functional studies have not been reported for this variant. This variant has been reported in a suspected hereditary breast and ovarian cancer family (PMID: 27376475). This variant has not been identified in the general population by the Genome Aggregation Database (gnomAD). The available evidence is insufficient to determine the role of this variant in disease conclusively. Therefore, this variant is classified as a Variant of Uncertain Significance.

Labcorp Genetics (formerly Invitae), Labcorp
Classification: Uncertain significance for Hereditary breast ovarian cancer syndrome. Last evaluated: 2025-05-17. Review status: criteria provided, single submitter. Criteria: Invitae Variant Classification Sherloc (09022015). Collection method: clinical testing. Allele origin: germline.
Comment: This sequence change replaces serine, which is neutral and polar, with phenylalanine, which is neutral and non-polar, at codon 496 of the BRCA2 protein (p.Ser496Phe). The frequency data for this variant in the population databases is considered unreliable, as metrics indicate poor data quality at this position in the gnomAD database. This missense change has been observed in individual(s) with personal and/or family history of breast and/or ovarian cancer (PMID: 27376475, 28288110). ClinVar contains an entry for this variant (Variation ID: 37743). Invitae Evidence Modeling of protein sequence and biophysical properties (such as structural, functional, and spatial information, amino acid conservation, physicochemical variation, residue mobility, and thermodynamic stability) indicates that this missense variant is not expected to disrupt BRCA2 protein function with a negative predictive value of 95%. In summary, the available evidence is currently insufficient to determine the role of this variant in disease. Therefore, it has been classified as a Variant of Uncertain Significance.

Women's Health and Genetics/Laboratory Corporation of America, LabCorp
Classification: Uncertain significance. Last evaluated: 2025-04-15. Review status: criteria provided, single submitter. Criteria: LabCorp Variant Classification Summary - May 2015. Collection method: clinical testing. Allele origin: germline.
Comment: Variant summary: BRCA2 c.1487C>T (p.Ser496Phe) results in a non-conservative amino acid change in the encoded protein sequence. Three of five in-silico tools predict a benign effect of the variant on protein function. The frequency data for this variant in gnomAD is considered unreliable, as metrics indicate poor data quality at this position. To our knowledge, no occurrence of c.1487C>T in individuals affected with Hereditary Breast And Ovarian Cancer Syndrome and no experimental evidence demonstrating its impact on protein function with strong evidence of causality have been reported. ClinVar contains an entry for this variant (Variation ID: 37743). Based on the evidence outlined above, the variant was classified as uncertain significance.

Ambry Genetics
Classification: Uncertain significance for Hereditary cancer-predisposing syndrome. Last evaluated: 2023-09-15. Review status: criteria provided, single submitter. Criteria: Ambry Variant Classification Scheme 2023. Collection method: clinical testing. Allele origin: germline.
Comment: The p.S496F variant (also known as c.1487C>T), located in coding exon 9 of the BRCA2 gene, results from a C to T substitution at nucleotide position 1487. The serine at codon 496 is replaced by phenylalanine, an amino acid with highly dissimilar properties. This alteration has been reported in a cohort of high-risk breast and/or ovarian cancer patients (Schenkel LC et al. J Mol Diagn, 2016 09;18:657-667). This amino acid position is not well conserved in available vertebrate species. In addition, this alteration is predicted to be tolerated by in silico analysis. Since supporting evidence is limited at this time, the clinical significance of this alteration remains unclear.

All of Us Research Program, National Institutes of Health
Classification: Uncertain significance for Breast-ovarian cancer, familial, susceptibility to, 2. Last evaluated: 2023-05-04. Review status: criteria provided, single submitter. Criteria: ACMG Guidelines, 2015. Collection method: clinical testing. Allele origin: germline. Inheritance: Autosomal dominant inheritance. Observed: 1 variant allele, 1 heterozygote.
Comment: This missense variant replaces serine with phenylalanine at codon 496 of the BRCA2 protein. Computational prediction suggests that this variant may not impact protein structure and function (internally defined REVEL score threshold <= 0.5, PMID: 27666373). Splice site prediction tools suggest that this variant may not impact RNA splicing. To our knowledge, functional studies have not been performed for this variant. This variant has been reported in an individual affected with breast and/or ovarian cancer (PMID: 27376475). This variant has not been identified in the general population by the Genome Aggregation Database (gnomAD). The available evidence is insufficient to determine the role of this variant in disease conclusively. Therefore, this variant is classified as a Variant of Uncertain Significance.

This study involves interpretation of variants in research participants for the purpose of population health screening. Participant phenotype was not available at the time of variant classification. Additional details can be found in publication PMID: 35346344, PMCID: PMC8962531

University of Washington Department of Laboratory Medicine, University of Washington
Classification: Likely benign for Hereditary cancer-predisposing syndrome. Last evaluated: 2023-03-23. Review status: criteria provided, single submitter. Criteria: Dines et al. (Genet Med. 2020). Collection method: curation. Allele origin: germline.
Comment: Missense variant in a coldspot region where missense variants are very unlikely to be pathogenic (PMID:31911673).

BRCA2 exon 10 coldspot. Reclassification based on statistical prior probability.

Sharing Clinical Reports Project (SCRP)
Classification: Uncertain significance for Breast-ovarian cancer, familial 2. Last evaluated: 2012-06-22. Review status: no assertion criteria provided. Collection method: clinical testing. Allele origin: germline. Not counted in ClinVar's aggregate classification.

Literature cited by the submitters: PubMed 27376475 (cited by 4 submitters); PubMed 28288110 (cited by Labcorp Genetics (formerly Invitae), Labcorp).

NM_000059.4(BRCA2):c.1487C>T (p.Ser496Phe)

Gene: BRCA2 (BRCA2 DNA repair associated; plus strand). Cytogenetic location: 13q13.1.
Variant type: single nucleotide variant.
Coding change: c.1487C>T on transcript NM_000059.4 (MANE Select); coding-DNA position 1487, C replaced by T.
Protein change: p.Ser496Phe; replaces serine 496 with phenylalanine.
Molecular consequence: missense variant.
Genome position (GRCh38, 1-based): chr13:32,332,965, C>T. VCF-style: chr13-32332965-C-T. GRCh37 (hg19) VCF-style: chr13-32907102-C-T.
Other names: 1715C>T; short protein forms S496F.
Identifiers: ClinVar variation 37743 (VCV000037743.27), dbSNP rs397507269, ClinGen allele CA012209.